The following is an entry in ClinVar:

NM_144997.7(FLCN):c.1159G>C (p.Ala387Pro)

Gene: FLCN (folliculin; minus strand). Cytogenetic location: 17p11.2.
Variant type: single nucleotide variant.
Coding change: c.1159G>C on transcript NM_144997.7 (MANE Select); coding-DNA position 1159, G replaced by C.
Protein change: p.Ala387Pro; replaces alanine 387 with proline.
Molecular consequence: missense variant.
Genome position (GRCh38, 1-based): chr17:17,217,086, C>G on the plus strand (G>C on the coding strand, the complement: FLCN is on the minus strand). VCF-style: chr17-17217086-C-G. GRCh37 (hg19) VCF-style: chr17-17120400-C-G.
Other names: c.1213G>C, p.Ala405Pro (NM_001353229.2); c.1159G>C, p.Ala387Pro (NM_001353230.2, NM_001353231.2); short protein forms A387P, A405P.
Identifiers: ClinVar variation 1022334 (VCV001022334.8), dbSNP rs2046948689, ClinGen allele CA398532157.
Genomic context (GRCh38, chr17:17,217,086, plus strand): 5'-AATACTGCCCTGCGCCGCACACCTAAGGAAAAGATGTTCTCACCCGAAGTACTTCAAAAG[C>G]TGACTGGACGAGGTCCACGTCTCTGCTTTTCCAGATCACCTGGTTCCCCATGAGAACGTG-3'
Protein context (NP_659434.2, residues 377-397): KSRDVDLVQS[Ala387Pro]FEVLRTMLPV

ClinVar aggregate classification (germline): Uncertain significance. Review status: criteria provided, multiple submitters, no conflicts (2 of 4 stars). 3 submissions from 3 submitters: Uncertain significance (3). Last evaluated 2024-05-28.

Conditions:
Hereditary cancer-predisposing syndrome. Also called: Hereditary neoplastic syndrome; Neoplastic Syndromes, Hereditary; Tumor predisposition; Hereditary Cancer Syndrome. Identifiers: Orphanet 140162, MedGen C0027672, MeSH D009386, MONDO:0015356.
Birt-Hogg-Dube syndrome. Also called: Birt Hogg Dubé syndrome. Identifiers: Orphanet 122, MedGen C0346010, MONDO:0800444.

Allele frequency attached by ClinVar (database versions not stated): TOPMed 0.00001.

Submissions (3):

GeneDx
Classification: Uncertain significance. Last evaluated: 2024-05-28. Review status: criteria provided, single submitter. Criteria: GeneDx Variant Classification Process June 2021. Collection method: clinical testing. Allele origin: germline. Affected: yes.
Comment: Not observed at significant frequency in large population cohorts (gnomAD); In silico analysis indicates that this missense variant does not alter protein structure/function; Has not been previously published as pathogenic or benign to our knowledge; This variant is associated with the following publications: (PMID: 17028174)

Labcorp Genetics (formerly Invitae), Labcorp
Classification: Uncertain significance for Birt-Hogg-Dube syndrome. Last evaluated: 2022-11-14. Review status: criteria provided, single submitter. Criteria: Invitae Variant Classification Sherloc (09022015). Collection method: clinical testing. Allele origin: germline.
Comment: Advanced modeling of protein sequence and biophysical properties (such as structural, functional, and spatial information, amino acid conservation, physicochemical variation, residue mobility, and thermodynamic stability) performed at Invitae indicates that this missense variant is not expected to disrupt FLCN protein function. This sequence change replaces alanine, which is neutral and non-polar, with proline, which is neutral and non-polar, at codon 387 of the FLCN protein (p.Ala387Pro). This variant is not present in population databases (gnomAD no frequency). This variant has not been reported in the literature in individuals affected with FLCN-related conditions. ClinVar contains an entry for this variant (Variation ID: 1022334). In summary, the available evidence is currently insufficient to determine the role of this variant in disease. Therefore, it has been classified as a Variant of Uncertain Significance.

Ambry Genetics
Classification: Uncertain significance for Hereditary cancer-predisposing syndrome. Last evaluated: 2017-11-30. Review status: criteria provided, single submitter. Criteria: Ambry Variant Classification Scheme 2023. Collection method: clinical testing. Allele origin: germline.
Comment: The p.A387P variant (also known as c.1159G>C), located in coding exon 7 of the FLCN gene, results from a G to C substitution at nucleotide position 1159. The alanine at codon 387 is replaced by proline, an amino acid with highly similar properties. This amino acid position is highly conserved in available vertebrate species. In addition, this alteration is predicted to be deleterious by in silico analysis. Since supporting evidence is limited at this time, the clinical significance of this alteration remains unclear.